The following is an entry in ClinVar:

ClinVar aggregate classification (germline): Uncertain significance. Review status: criteria provided, multiple submitters, no conflicts (2 of 4 stars). 2 submissions from 2 submitters: Uncertain significance (2). Last evaluated 2024-08-21.

Allele frequency attached by ClinVar (database versions not stated): gnomAD 0.00001; TOPMed 0.00001; ExAC 0.00002; gnomAD exomes 0.00002.
gnomAD v4.1: 31 of 1,612,792 alleles (0.0019%); highest among the groups gnomAD compares: Non-Finnish European, 0.0026%; no homozygotes.

Submissions (2):

Blueprint Genetics
Classification: Uncertain significance. Last evaluated: 2024-08-21. Review status: criteria provided, single submitter. Criteria: ACMG Guidelines, 2015. Collection method: clinical testing. Allele origin: germline.

Labcorp Genetics (formerly Invitae), Labcorp
Classification: Uncertain significance. Last evaluated: 2022-10-24. Review status: criteria provided, single submitter. Criteria: Invitae Variant Classification Sherloc (09022015). Collection method: clinical testing. Allele origin: germline.
Comment: This sequence change replaces isoleucine, which is neutral and non-polar, with arginine, which is basic and polar, at codon 515 of the MTHFD1 protein (p.Ile515Arg). This variant is present in population databases (rs763827490, gnomAD 0.003%). This variant has not been reported in the literature in individuals affected with MTHFD1-related conditions. Advanced modeling of protein sequence and biophysical properties (such as structural, functional, and spatial information, amino acid conservation, physicochemical variation, residue mobility, and thermodynamic stability) performed at Invitae indicates that this missense variant is not expected to disrupt MTHFD1 protein function. In summary, the available evidence is currently insufficient to determine the role of this variant in disease. Therefore, it has been classified as a Variant of Uncertain Significance.

NM_005956.4(MTHFD1):c.1544T>G (p.Ile515Arg)

Gene: MTHFD1 (methylenetetrahydrofolate dehydrogenase, cyclohydrolase and formyltetrahydrofolate synthetase 1; plus strand). Cytogenetic location: 14q23.3.
Variant type: single nucleotide variant.
Coding change: c.1544T>G on transcript NM_005956.4 (MANE Select); coding-DNA position 1544, T replaced by G.
Protein change: p.Ile515Arg; replaces isoleucine 515 with arginine.
Molecular consequence: missense variant.
Genome position (GRCh38, 1-based): chr14:64,435,618, T>G. VCF-style: chr14-64435618-T-G. GRCh37 (hg19) VCF-style: chr14-64902336-T-G.
Other names: c.1544T>G, p.Ile515Arg (NM_001364837.1); short protein forms I515R.
Identifiers: ClinVar variation 1906239 (VCV001906239.3), dbSNP rs763827490, ClinGen allele CA7226282.